The following is an entry in ClinVar:

ClinVar aggregate classification (germline): Uncertain significance (1 of 4 stars; one submission).

Submission:

Labcorp Genetics (formerly Invitae), Labcorp
Classification: Uncertain significance. Last evaluated: 2022-03-23. Review status: criteria provided, single submitter. Criteria: Invitae Variant Classification Sherloc (09022015). Collection method: clinical testing. Allele origin: germline.
Comment: This variant is not present in population databases (gnomAD no frequency). This sequence change replaces phenylalanine, which is neutral and non-polar, with leucine, which is neutral and non-polar, at codon 2109 of the MYO15A protein (p.Phe2109Leu). This missense change has been observed in individual(s) with deafness (external communication). Advanced modeling of protein sequence and biophysical properties (such as structural, functional, and spatial information, amino acid conservation, physicochemical variation, residue mobility, and thermodynamic stability) performed at Invitae indicates that this missense variant is not expected to disrupt MYO15A protein function. In summary, the available evidence is currently insufficient to determine the role of this variant in disease. Therefore, it has been classified as a Variant of Uncertain Significance.

NM_016239.4(MYO15A):c.6325T>C (p.Phe2109Leu)

Gene: MYO15A (myosin XVA; plus strand). Cytogenetic location: 17p11.2.
Variant type: single nucleotide variant.
Coding change: c.6325T>C on transcript NM_016239.4 (MANE Select); coding-DNA position 6325, T replaced by C.
Protein change: p.Phe2109Leu; replaces phenylalanine 2109 with leucine.
Molecular consequence: missense variant.
Genome position (GRCh38, 1-based): chr17:18,145,923, T>C. VCF-style: chr17-18145923-T-C. GRCh37 (hg19) VCF-style: chr17-18049237-T-C.
Other names: short protein forms F2109L.
Identifiers: ClinVar variation 2116145 (VCV002116145.4), dbSNP rs2545271822, ClinGen allele CA398606512.